The following is an entry in ClinVar:

NM_000280.4(PAX6):c.*3318A>G

Genes: ELP4 (elongator acetyltransferase complex subunit 4; plus strand), PAX6 (paired box 6; minus strand). Cytogenetic location: 11p13.
Variant type: single nucleotide variant.
Coding change: c.*3318A>G on transcript NM_000280.4; 3318 bases downstream of the stop codon, A replaced by G.
Molecular consequence: 3 prime UTR variant (on NM_019040.5).
Genome position (GRCh38, 1-based): chr11:31,786,616, T>C on the plus strand (A>G on the coding strand, the complement: PAX6 is on the minus strand). VCF-style: chr11-31786616-T-C. GRCh37 (hg19) VCF-style: chr11-31808164-T-C.
Other names: c.*3078T>C (NM_001288725.2); c.*3187T>C (NM_001288726.2); c.*3092T>C (NM_019040.5).
Identifiers: ClinVar variation 304308 (VCV000304308.8), dbSNP rs371438311, ClinGen allele CA10630728.
Genomic context (GRCh38, chr11:31,786,616, plus strand): 5'-TAGTATGAGAGGCCCAGAGTAAAAAGAAATAAGCAAAAGAATATAGACACAATCCTAAGA[T>C]GACATTCACAGAACAAAGCTGAATCTTCAAATAATACTGTATGAGTGAATCTTAGGAAAC-3'

ClinVar aggregate classification (germline): Conflicting classifications of pathogenicity. Review status: criteria provided, conflicting classifications (1 of 4 stars). 6 submissions from 1 submitter: Uncertain significance (1); Benign (5). Last evaluated 2018-01-13.

Conditions:
Anophthalmia-microphthalmia syndrome. Also called: Anophthalmia/Microphthalmia; Anophthalmia - microphthalmia. Identifiers: Orphanet 98555, MedGen C5680330, MONDO:0020147.
Autosomal dominant keratitis. Also called: Keratitis, hereditary. Identifiers: Orphanet 2334, MedGen C1835698, MONDO:0007848, OMIM 148190.
Aniridia 1 (AN1). Identifiers: Orphanet 250923, MedGen C0344542, MONDO:0024507, OMIM 106210.
11p partial monosomy syndrome (WAGR). Also called: WAGR Spectrum Disorder; WAGR syndrome; WAGR Complex; CHROMOSOME 11p13 DELETION SYNDROME. Identifiers: Orphanet 893, MedGen C0206115, MONDO:0008681, OMIM 194072.
Foveal hypoplasia 1. Also called: FOVEAL HYPOPLASIA 1 WITH OR WITHOUT ANTERIOR SEGMENT ANOMALIES AND/OR CATARACT; FOVEAL HYPOPLASIA 1 WITH ANTERIOR SEGMENT ANOMALIES. Identifiers: Orphanet 2253, MedGen C3805604, MONDO:0007628, OMIM 136520.
carboxymethyl-dextran-A2-gadolinium-DOTA.

Allele frequency attached by ClinVar (database versions not stated): 1000 Genomes Project 0.00140; gnomAD exomes 0.00055; 1000 Genomes Project 30x 0.00109; gnomAD 0.00006 and 0.00013; TOPMed 0.00023.
gnomAD v4.1: 58 of 225,804 alleles (0.026%); highest among the groups gnomAD compares: East Asian, 0.37%; no homozygotes.

Submissions (6):

Illumina Laboratory Services, Illumina
Classification: Benign for carboxymethyl-dextran-A2-gadolinium-DOTA. Last evaluated: 2018-01-13. Review status: criteria provided, single submitter. Criteria: ICSL Variant Classification Criteria 13 December 2019. Collection method: clinical testing. Allele origin: germline.
Comment: This variant was observed in the ICSL laboratory as part of a predisposition screen in an ostensibly healthy population. It had not been previously curated by ICSL or reported in the Human Gene Mutation Database (HGMD: prior to June 1st, 2018), and was therefore a candidate for classification through an automated scoring system. Utilizing variant allele frequency, disease prevalence and penetrance estimates, and inheritance mode, an automated score was calculated to assess if this variant is too frequent to cause the disease. Based on the score and internal cut-off values, a variant classified as benign is not then subjected to further curation. The score for this variant resulted in a classification of benign for this disease.

Illumina Laboratory Services, Illumina
Classification: Benign for Autosomal dominant keratitis. Last evaluated: 2018-01-13. Review status: criteria provided, single submitter. Criteria: ICSL Variant Classification Criteria 13 December 2019. Collection method: clinical testing. Allele origin: germline.
Comment: the same text as in the submission from Illumina Laboratory Services, Illumina above.

Illumina Laboratory Services, Illumina
Classification: Benign for Wilms tumor, aniridia, genitourinary anomalies, and mental retardation syndrome. Last evaluated: 2018-01-13. Review status: criteria provided, single submitter. Criteria: ICSL Variant Classification Criteria 13 December 2019. Collection method: clinical testing. Allele origin: germline.
Comment: the same text as in the submission from Illumina Laboratory Services, Illumina above.

Illumina Laboratory Services, Illumina
Classification: Benign for Foveal hypoplasia 1. Last evaluated: 2018-01-13. Review status: criteria provided, single submitter. Criteria: ICSL Variant Classification Criteria 13 December 2019. Collection method: clinical testing. Allele origin: germline.
Comment: the same text as in the submission from Illumina Laboratory Services, Illumina above.

Illumina Laboratory Services, Illumina
Classification: Uncertain significance for Anophthalmia-microphthalmia syndrome. Last evaluated: 2018-01-13. Review status: criteria provided, single submitter. Criteria: ICSL Variant Classification Criteria 13 December 2019. Collection method: clinical testing. Allele origin: germline.

Illumina Laboratory Services, Illumina
Classification: Benign for Aniridia 1. Last evaluated: 2018-01-13. Review status: criteria provided, single submitter. Criteria: ICSL Variant Classification Criteria 13 December 2019. Collection method: clinical testing. Allele origin: germline.
Comment: the same text as in the submission from Illumina Laboratory Services, Illumina above.